The following is an entry in ClinVar:

NM_001386298.1(CIC):c.3200C>G (p.Pro1067Arg)

Gene: CIC (capicua transcriptional repressor; plus strand). Cytogenetic location: 19q13.2.
Variant type: single nucleotide variant.
Coding change: c.3200C>G on transcript NM_001386298.1 (MANE Select); coding-DNA position 3200, C replaced by G.
Protein change: p.Pro1067Arg; replaces proline 1067 with arginine.
Molecular consequence: missense variant.
Genome position (GRCh38, 1-based): chr19:42,287,340, C>G. VCF-style: chr19-42287340-C-G. GRCh37 (hg19) VCF-style: chr19-42791492-C-G.
Other names: c.3200C>G, p.Pro1067Arg (NM_001304815.2, NM_001379480.1, NM_001379482.1 and 1 more transcripts); c.473C>G, p.Pro158Arg (NM_001379484.1, NM_001379485.1, NM_015125.5); short protein forms P1067R, P158R.
Identifiers: ClinVar variation 2574242 (VCV002574242.1), dbSNP rs759429513, ClinGen allele CA9471731.

ClinVar aggregate classification (germline): Uncertain significance (1 of 4 stars; one submission).

Allele frequency attached by ClinVar (database versions not stated): ExAC 0.00001; gnomAD 0.00001; gnomAD exomes 0.00001; TOPMed 0.00001.
gnomAD v4.1: 4 of 1,614,060 alleles (0.00025%); highest among the groups gnomAD compares: Non-Finnish European, 0.00034%; no homozygotes.

Submission:

GeneDx
Classification: Uncertain significance. Last evaluated: 2023-01-29. Review status: criteria provided, single submitter. Criteria: GeneDx Variant Classification Process June 2021. Collection method: clinical testing. Allele origin: germline. Affected: yes.
Comment: In silico analysis supports that this missense variant has a deleterious effect on protein structure/function; Has not been previously published as pathogenic or benign to our knowledge